The following is an entry in ClinVar:

NM_001367624.2(ZNF469):c.11201G>A (p.Gly3734Asp)

Gene: ZNF469 (zinc finger protein 469; plus strand). Cytogenetic location: 16q24.2.
Variant type: single nucleotide variant.
Coding change: c.11201G>A on transcript NM_001367624.2 (MANE Select); coding-DNA position 11201, G replaced by A.
Protein change: p.Gly3734Asp; replaces glycine 3734 with aspartic acid.
Molecular consequence: missense variant.
Genome position (GRCh38, 1-based): chr16:88,438,671, G>A. VCF-style: chr16-88438671-G-A. GRCh37 (hg19) VCF-style: chr16-88505079-G-A.
Other names: short protein forms G3734D.
Identifiers: ClinVar variation 2842719 (VCV002842719.3), dbSNP rs1597215226, ClinGen allele CA397129341.
Genomic context (GRCh38, chr16:88,438,671, plus strand): 5'-GCACAGAGAATGGGATGAAGCCCGCCACCCCCAAAGCCAAACCCGGCCCCAGCTCCCAGG[G>A]CAGTGGAAGCCCTCGCCCCGGCACCAAGACAGGAGGTGGCAGCCAGCCCCAGCCAGCCAG-3'
Protein context (NP_001354553.1, residues 3724-3744): PKAKPGPSSQ[Gly3734Asp]SGSPRPGTKT

ClinVar aggregate classification (germline): Uncertain significance (1 of 4 stars; one submission).

Allele frequency attached by ClinVar (database versions not stated): TOPMed below 0.00001.

Submission:

Labcorp Genetics (formerly Invitae), Labcorp
Classification: Uncertain significance. Last evaluated: 2023-03-03. Review status: criteria provided, single submitter. Criteria: Invitae Variant Classification Sherloc (09022015). Collection method: clinical testing. Allele origin: germline.
Comment: This sequence change replaces glycine, which is neutral and non-polar, with aspartic acid, which is acidic and polar, at codon 3706 of the ZNF469 protein (p.Gly3706Asp). This variant is not present in population databases (gnomAD no frequency). This variant has not been reported in the literature in individuals affected with ZNF469-related conditions. Algorithms developed to predict the effect of missense changes on protein structure and function output the following: SIFT: "Not Available"; PolyPhen-2: "Benign"; Align-GVGD: "Not Available". The aspartic acid amino acid residue is found in multiple mammalian species, which suggests that this missense change does not adversely affect protein function. In summary, the available evidence is currently insufficient to determine the role of this variant in disease. Therefore, it has been classified as a Variant of Uncertain Significance.